The following is an entry in ClinVar:

NM_001384140.1(PCDH15):c.758T>C (p.Val253Ala)

Gene: PCDH15 (protocadherin related 15; minus strand). Cytogenetic location: 10q21.1.
Variant type: single nucleotide variant.
Coding change: c.758T>C on transcript NM_001384140.1 (MANE Select); coding-DNA position 758, T replaced by C.
Protein change: p.Val253Ala; replaces valine 253 with alanine.
Molecular consequence: missense variant.
Genome position (GRCh38, 1-based): chr10:54,317,389, A>G on the plus strand (T>C on the coding strand, the complement: PCDH15 is on the minus strand). VCF-style: chr10-54317389-A-G. GRCh37 (hg19) VCF-style: chr10-56077149-A-G.
Other names: c.773T>C, p.Val258Ala (NM_001142763.2, NM_001142769.4, NM_001142771.2); c.758T>C, p.Val253Ala (NM_001142764.2, NM_001142765.2, NM_001142766.2 and 7 more transcripts); c.647T>C, p.Val216Ala (NM_001142767.2); c.692T>C, p.Val231Ala (NM_001142768.2, NM_001142773.2, NM_001354404.2); short protein forms V231A, V253A, V258A, V216A.
Identifiers: ClinVar variation 2001810 (VCV002001810.4), dbSNP rs1591767954, ClinGen allele CA376541000.

ClinVar aggregate classification (germline): Uncertain significance (1 of 4 stars; one submission).

Submission:

Labcorp Genetics (formerly Invitae), Labcorp
Classification: Uncertain significance. Last evaluated: 2025-04-28. Review status: criteria provided, single submitter. Criteria: Invitae Variant Classification Sherloc (09022015). Collection method: clinical testing. Allele origin: germline.
Comment: This sequence change replaces valine, which is neutral and non-polar, with alanine, which is neutral and non-polar, at codon 253 of the PCDH15 protein (p.Val253Ala). This variant is not present in population databases (gnomAD no frequency). This variant has not been reported in the literature in individuals affected with PCDH15-related conditions. ClinVar contains an entry for this variant (Variation ID: 2001810). Invitae Evidence Modeling of protein sequence and biophysical properties (such as structural, functional, and spatial information, amino acid conservation, physicochemical variation, residue mobility, and thermodynamic stability) indicates that this missense variant is not expected to disrupt PCDH15 protein function with a negative predictive value of 95%. In summary, the available evidence is currently insufficient to determine the role of this variant in disease. Therefore, it has been classified as a Variant of Uncertain Significance.